The following is an entry in ClinVar:

ClinVar aggregate classification (germline): Uncertain significance (1 of 4 stars; one submission).

Conditions:
Familial cancer of breast. Also called: BREAST CANCER, FAMILIAL; Hereditary breast cancer; hereditary breast carcinoma. Identifiers: Orphanet 227535, MedGen C0346153, MONDO:0016419, OMIM 114480. Disease mechanism: loss of function.

Submission:

Labcorp Genetics (formerly Invitae), Labcorp
Classification: Uncertain significance for Familial cancer of breast. Last evaluated: 2025-12-24. Review status: criteria provided, single submitter. Criteria: Invitae Variant Classification Sherloc (09022015). Collection method: clinical testing. Allele origin: germline.
Comment: This sequence change replaces alanine, which is neutral and non-polar, with proline, which is neutral and non-polar, at codon 721 of the BARD1 protein (p.Ala721Pro). This variant is not present in population databases (gnomAD no frequency). This variant has not been reported in the literature in individuals affected with BARD1-related conditions. An algorithm developed to predict the effect of missense changes on protein structure and function (PolyPhen-2) suggests that this variant is likely to be disruptive. In summary, the available evidence is currently insufficient to determine the role of this variant in disease. Therefore, it has been classified as a Variant of Uncertain Significance.

NM_000465.4(BARD1):c.2161G>C (p.Ala721Pro)

Gene: BARD1 (BRCA1 associated RING domain 1; minus strand). Cytogenetic location: 2q35.
Variant type: single nucleotide variant.
Coding change: c.2161G>C on transcript NM_000465.4 (MANE Select); coding-DNA position 2161, G replaced by C.
Protein change: p.Ala721Pro; replaces alanine 721 with proline.
Molecular consequence: missense variant. On other transcripts: non-coding transcript variant (3).
Genome position (GRCh38, 1-based): chr2:214,728,849, C>G on the plus strand (G>C on the coding strand, the complement: BARD1 is on the minus strand). VCF-style: chr2-214728849-C-G. GRCh37 (hg19) VCF-style: chr2-215593573-C-G.
Other names: c.2104G>C, p.Ala702Pro (NM_001282543.2); c.808G>C, p.Ala270Pro (NM_001282545.2); c.751G>C, p.Ala251Pro (NM_001282548.2); c.622G>C, p.Ala208Pro (NM_001282549.2); short protein forms A208P, A251P, A270P, A702P, A721P.
Identifiers: ClinVar variation 4740732 (VCV004740732.1).
Genomic context (GRCh38, chr2:214,728,849, plus strand): 5'-CTTCATAGATGATATACTGTGTGCAGAAGCGCTGATCAGAATCGGGTCTCGCATGGTATG[C>G]GACTGTATTGATGGTCTGAGTCACGTCACTGTCTGGCTTGGGCTTTCTACTGAGGATCTG-3'
Protein context (NP_000456.2, residues 711-731): SDVTQTINTV[Ala721Pro]YHARPDSDQR